The following is an entry in ClinVar:

ClinVar aggregate classification (germline): Conflicting classifications of pathogenicity. Review status: criteria provided, conflicting classifications (1 of 4 stars). 2 submissions from 2 submitters: Uncertain significance (1); Likely benign (1). Last evaluated 2024-11-25.

Allele frequency attached by ClinVar (database versions not stated): gnomAD exomes below 0.00001; gnomAD 0.00001; TOPMed 0.00001.
gnomAD v4.1: 9 of 1,613,898 alleles (0.00056%); highest among the groups gnomAD compares: Middle Eastern, 0.016%; no homozygotes.

Submissions (2):

Ambry Genetics
Classification: Likely benign. Last evaluated: 2024-11-25. Review status: criteria provided, single submitter. Criteria: Ambry Variant Classification Scheme 2023. Collection method: clinical testing. Allele origin: germline.

Labcorp Genetics (formerly Invitae), Labcorp
Classification: Uncertain significance. Last evaluated: 2020-06-28. Review status: criteria provided, single submitter. Criteria: Invitae Variant Classification Sherloc (09022015). Collection method: clinical testing. Allele origin: germline.
Comment: In summary, the available evidence is currently insufficient to determine the role of this variant in disease. Therefore, it has been classified as a Variant of Uncertain Significance. Algorithms developed to predict the effect of missense changes on protein structure and function output the following: SIFT: "Tolerated"; PolyPhen-2: "Benign"; Align-GVGD: "Class C0". The alanine amino acid residue is found in multiple mammalian species, suggesting that this missense change does not adversely affect protein function. These predictions have not been confirmed by published functional studies and their clinical significance is uncertain. This variant has not been reported in the literature in individuals with GEN1-related conditions. This variant is not present in population databases (ExAC no frequency). This sequence change replaces threonine with alanine at codon 516 of the GEN1 protein (p.Thr516Ala). The threonine residue is weakly conserved and there is a small physicochemical difference between threonine and alanine.

NM_001130009.3(GEN1):c.1546A>G (p.Thr516Ala)

Gene: GEN1 (GEN1 structure-specific endonuclease; plus strand). Cytogenetic location: 2p24.2.
Variant type: single nucleotide variant.
Coding change: c.1546A>G on transcript NM_001130009.3 (MANE Select); coding-DNA position 1546, A replaced by G.
Protein change: p.Thr516Ala; replaces threonine 516 with alanine.
Molecular consequence: missense variant.
Genome position (GRCh38, 1-based): chr2:17,780,758, A>G. VCF-style: chr2-17780758-A-G. GRCh37 (hg19) VCF-style: chr2-17962025-A-G.
Other names: c.1546A>G, p.Thr516Ala (NM_182625.5); c.1546A>G (NM_001130009.1); short protein forms T516A.
Identifiers: ClinVar variation 1005162 (VCV001005162.9), dbSNP rs774454074, ClinGen allele CA43359473.